The following is an entry in ClinVar:

ClinVar aggregate classification (germline): Uncertain significance. Review status: criteria provided, multiple submitters, no conflicts (2 of 4 stars). 3 submissions from 3 submitters: Uncertain significance (2). 1 of the submissions does not count toward it. Last evaluated 2022-05-27.

Conditions:
PCNT-related disorder. Also called: PCNT-related condition.

Allele frequency attached by ClinVar (database versions not stated): gnomAD 0.00019; gnomAD exomes 0.00009; ExAC 0.00008; TOPMed 0.00036; ESP Exome Variant Server 0.00038.
gnomAD v4.1: 88 of 1,613,912 alleles (0.0055%); highest among the groups gnomAD compares: African/African-American, 0.1%; no homozygotes.

Submissions (3):

Labcorp Genetics (formerly Invitae), Labcorp
Classification: Uncertain significance. Last evaluated: 2022-05-27. Review status: criteria provided, single submitter. Criteria: Invitae Variant Classification Sherloc (09022015). Collection method: clinical testing. Allele origin: germline.
Comment: This sequence change replaces leucine, which is neutral and non-polar, with proline, which is neutral and non-polar, at codon 1649 of the PCNT protein (p.Leu1649Pro). This variant is present in population databases (rs149214680, gnomAD 0.1%). This variant has not been reported in the literature in individuals affected with PCNT-related conditions. ClinVar contains an entry for this variant (Variation ID: 499765). Algorithms developed to predict the effect of missense changes on protein structure and function output the following: SIFT: "Tolerated"; PolyPhen-2: "Possibly Damaging"; Align-GVGD: "Class C0". The proline amino acid residue is found in multiple mammalian species, which suggests that this missense change does not adversely affect protein function. In summary, the available evidence is currently insufficient to determine the role of this variant in disease. Therefore, it has been classified as a Variant of Uncertain Significance.

Eurofins Ntd Llc (ga)
Classification: Uncertain significance. Last evaluated: 2017-01-24. Review status: criteria provided, single submitter. Criteria: EGL Classification Definitions 2015. Collection method: clinical testing. Allele origin: germline. Observed: 1 variant allele, 1 heterozygote.

PreventionGenetics, part of Exact Sciences
Classification: Uncertain significance for PCNT-related condition. Last evaluated: 2024-08-19. Review status: no assertion criteria provided. Collection method: clinical testing. Allele origin: germline. Not counted in ClinVar's aggregate classification.
Comment: The PCNT c.4946T>C variant is predicted to result in the amino acid substitution p.Leu1649Pro. To our knowledge, this variant has not been reported in the literature. This variant is reported in 0.096% of alleles in individuals of African descent in gnomAD, which may be too common to be a primary cause of disease. Although we suspect that this variant may be benign, at this time, the clinical significance of this variant is uncertain due to the absence of conclusive functional and genetic evidence.

NM_006031.6(PCNT):c.4946T>C (p.Leu1649Pro)

Gene: PCNT (pericentrin; plus strand). Cytogenetic location: 21q22.3.
Variant type: single nucleotide variant.
Coding change: c.4946T>C on transcript NM_006031.6 (MANE Select); coding-DNA position 4946, T replaced by C.
Protein change: p.Leu1649Pro; replaces leucine 1649 with proline.
Molecular consequence: missense variant.
Genome position (GRCh38, 1-based): chr21:46,401,705, T>C. VCF-style: chr21-46401705-T-C. GRCh37 (hg19) VCF-style: chr21-47821619-T-C.
Other names: c.4592T>C, p.Leu1531Pro (NM_001315529.2); c.4946T>C (NM_006031.5); short protein forms L1649P, L1531P.
Identifiers: ClinVar variation 499765 (VCV000499765.12), dbSNP rs149214680, ClinGen allele CA10079822.